The following is an entry in ClinVar:

NM_001378454.1(ALMS1):c.10132C>T (p.Gln3378Ter)

Gene: ALMS1 (ALMS1 centrosome and basal body associated protein; plus strand). Cytogenetic location: 2p13.1.
Variant type: single nucleotide variant.
Coding change: c.10132C>T on transcript NM_001378454.1 (MANE Select); coding-DNA position 10132, C replaced by T.
Protein change: p.Gln3378Ter; replaces glutamine 3378 with a stop codon.
Molecular consequence: nonsense.
Genome position (GRCh38, 1-based): chr2:73,557,273, C>T. VCF-style: chr2-73557273-C-T. GRCh37 (hg19) VCF-style: chr2-73784400-C-T.
Other names: c.10135C>T, p.Gln3379Ter (NM_015120.4); short protein forms Q3379*, Q3378*.
Identifiers: ClinVar variation 2838898 (VCV002838898.4), dbSNP rs2466402650, ClinGen allele CA347276451.

ClinVar aggregate classification (germline): Pathogenic/Likely pathogenic. Review status: criteria provided, multiple submitters, no conflicts (2 of 4 stars). 2 submissions from 2 submitters: Pathogenic (1); Likely pathogenic (1). Last evaluated 2024-05-06.

Conditions:
Alstrom syndrome (ALMS). Identifiers: Orphanet 64, MedGen C0268425, MONDO:0008763, OMIM 203800.

Submissions (2):

Natera, Inc.
Classification: Likely pathogenic for Alstrom syndrome. Last evaluated: 2024-05-06. Review status: criteria provided, single submitter. Criteria: Natera Variant Classification Schema (03/2026). Collection method: clinical testing. Allele origin: germline.
Comment: The c.10135C>T variant in ALMS1 is a nonsense variant predicted to introduce a stop codon at amino acid 3379. This variant is expected to result in nonsense mediated decay, truncation, or a dysfunctional protein product. This variant is rare in the general population with a frequency below the threshold expected for the associated phenotype(s). Given the available evidence, this variant is classified as Likely Pathogenic.

Labcorp Genetics (formerly Invitae), Labcorp
Classification: Pathogenic for Alstrom syndrome. Last evaluated: 2023-08-02. Review status: criteria provided, single submitter. Criteria: Invitae Variant Classification Sherloc (09022015). Collection method: clinical testing. Allele origin: germline.
Comment: For these reasons, this variant has been classified as Pathogenic. This variant has not been reported in the literature in individuals affected with ALMS1-related conditions. This variant is not present in population databases (gnomAD no frequency). This sequence change creates a premature translational stop signal (p.Gln3379*) in the ALMS1 gene. It is expected to result in an absent or disrupted protein product. Loss-of-function variants in ALMS1 are known to be pathogenic (PMID: 17594715).

Literature cited by the submitters: PubMed 17594715 (cited by Labcorp Genetics (formerly Invitae), Labcorp).